The following is an entry in ClinVar:

ClinVar aggregate classification (germline): Likely benign (0 of 4 stars; one submission).

Conditions:
NFASC-related disorder. Also called: NFASC-related condition.

Allele frequency attached by ClinVar (database versions not stated): ESP Exome Variant Server 0.00023; gnomAD exomes 0.00023; gnomAD 0.00027; TOPMed 0.00027; ExAC 0.00038; 1000 Genomes Project 0.00060; 1000 Genomes Project 30x 0.00062.
gnomAD v4.1: 376 of 1,613,154 alleles (0.023%); highest among the groups gnomAD compares: Middle Eastern, 0.14%; 1 homozygote.

Submission:

PreventionGenetics, part of Exact Sciences
Classification: Likely benign for NFASC-related condition. Last evaluated: 2023-06-08. Review status: no assertion criteria provided. Collection method: clinical testing. Allele origin: germline.
Comment: This variant is classified as likely benign based on ACMG/AMP sequence variant interpretation guidelines (Richards et al. 2015 PMID: 25741868, with internal and published modifications).

NM_001005388.3(NFASC):c.1577G>A (p.Arg526Gln)

Gene: NFASC (neurofascin; plus strand). Cytogenetic location: 1q32.1.
Variant type: single nucleotide variant.
Coding change: c.1577G>A on transcript NM_001005388.3 (MANE Select); coding-DNA position 1577, G replaced by A.
Protein change: p.Arg526Gln; replaces arginine 526 with glutamine.
Molecular consequence: missense variant. On other transcripts: non-coding transcript variant (1).
Genome position (GRCh38, 1-based): chr1:204,975,289, G>A. VCF-style: chr1-204975289-G-A. GRCh37 (hg19) VCF-style: chr1-204944417-G-A.
Other names: c.1577G>A, p.Arg526Gln (NM_001005389.2, NM_001378329.1); c.1610G>A, p.Arg537Gln (NM_001160331.2, NM_001160332.2, NM_001365986.1 and 3 more transcripts); c.1559G>A, p.Arg520Gln (NM_001160333.2); short protein forms R520Q, R526Q, R537Q.
Identifiers: ClinVar variation 3042919 (VCV003042919.2), dbSNP rs184503324, ClinGen allele CA1349991.